The following is an entry in ClinVar:

ClinVar aggregate classification (germline): Likely benign (1 of 4 stars; one submission).

Conditions:
AKR1D1-related disorder. Also called: AKR1D1-related condition.

gnomAD v4.1: 2 of 1,613,646 alleles (0.00012%); highest among the groups gnomAD compares: East Asian, 0.0022%; no homozygotes.

Submission:

PreventionGenetics, part of Exact Sciences
Classification: Likely benign for AKR1D1-related condition. Last evaluated: 2025-10-15. Review status: criteria provided, single submitter. Criteria: ACMG Guidelines, 2015. Collection method: clinical testing. Allele origin: germline.
Comment: This variant is classified as likely benign based on ACMG/AMP sequence variant interpretation guidelines (Richards et al. 2015 PMID: 25741868, with internal and published modifications).

NM_005989.4(AKR1D1):c.936C>T (p.Leu312=)

Gene: AKR1D1 (aldo-keto reductase family 1 member D1; plus strand). Cytogenetic location: 7q33.
Variant type: single nucleotide variant.
Coding change: c.936C>T on transcript NM_005989.4 (MANE Select); coding-DNA position 936, C replaced by T.
Protein change: p.Leu312=; no amino-acid change (leucine 312 retained).
Molecular consequence: synonymous variant. On other transcripts: intron variant (1).
Genome position (GRCh38, 1-based): chr7:138,113,770, C>T. VCF-style: chr7-138113770-C-T. GRCh37 (hg19) VCF-style: chr7-137798516-C-T.
Other names: c.813C>T, p.Leu271= (NM_001190906.2); c.856-2850C>T (NM_001190907.2).
Identifiers: ClinVar variation 4986296 (VCV004986296.1).